The following is an entry in ClinVar:

ClinVar aggregate classification (germline): Uncertain significance (1 of 4 stars; one submission).

Conditions:
Hereditary cancer-predisposing syndrome. Also called: Tumor predisposition; Hereditary neoplastic syndrome; Neoplastic Syndromes, Hereditary; Hereditary Cancer Syndrome. Identifiers: Orphanet 140162, MedGen C0027672, MeSH D009386, MONDO:0015356.

Submission:

Ambry Genetics
Classification: Uncertain significance for Hereditary cancer-predisposing syndrome. Last evaluated: 2019-09-13. Review status: criteria provided, single submitter. Criteria: Ambry Variant Classification Scheme 2023. Collection method: clinical testing. Allele origin: germline.
Comment: The p.G487R variant (also known as c.1459G>C), located in coding exon 11 of the APC gene, results from a G to C substitution at nucleotide position 1459. The glycine at codon 487 is replaced by arginine, an amino acid with dissimilar properties. This amino acid position is highly conserved in available vertebrate species. In addition, in silico predictors for this gene do not accurately predict pathogenicity. Since supporting evidence is limited at this time, the clinical significance of this alteration remains unclear.

NM_000038.6(APC):c.1459G>C (p.Gly487Arg)

Gene: APC (APC regulator of Wnt signaling pathway; plus strand). Cytogenetic location: 5q22.2.
Variant type: single nucleotide variant.
Coding change: c.1459G>C on transcript NM_000038.6 (MANE Select); coding-DNA position 1459, G replaced by C.
Protein change: p.Gly487Arg; replaces glycine 487 with arginine.
Molecular consequence: missense variant.
Genome position (GRCh38, 1-based): chr5:112,827,158, G>C. VCF-style: chr5-112827158-G-C. GRCh37 (hg19) VCF-style: chr5-112162855-G-C.
Other names: c.1459G>C, p.Gly487Arg (NM_001127510.3, NM_001354895.2); c.1405G>C, p.Gly469Arg (NM_001127511.3); c.1513G>C, p.Gly505Arg (NM_001354896.2); c.1489G>C, p.Gly497Arg (NM_001354897.2); c.1384G>C, p.Gly462Arg (NM_001354898.2); c.1375G>C, p.Gly459Arg (NM_001354899.2); c.1336G>C, p.Gly446Arg (NM_001354900.2); c.1282G>C, p.Gly428Arg (NM_001354901.2); and 5 more; short protein forms G204R, G497R, G505R, G386R, G459R, G487R, G428R, G327R.
Identifiers: ClinVar variation 819272 (VCV000819272.4), dbSNP rs1554081680, ClinGen allele CA16024502.
Genomic context (GRCh38, chr5:112,827,158, plus strand): 5'-TTTAAATTAGGGGGACTACAGGCCATTGCAGAATTATTGCAAGTGGACTGTGAAATGTAT[G>C]GGCTTACTAATGACCACTACAGTATTACACTAAGACGATATGCTGGAATGGCTTTGACAA-3'
Protein context (NP_000029.2, residues 477-497): ELLQVDCEMY[Gly487Arg]LTNDHYSITL